The following is an entry in ClinVar:

ClinVar aggregate classification (germline): Pathogenic (1 of 4 stars; one submission).

Conditions:
Werner syndrome (WRN). Identifiers: Orphanet 902, MedGen C0043119, MONDO:0010196, OMIM 277700.

Submission:

Labcorp Genetics (formerly Invitae), Labcorp
Classification: Pathogenic for Werner syndrome. Last evaluated: 2023-09-01. Review status: criteria provided, single submitter. Criteria: Invitae Variant Classification Sherloc (09022015). Collection method: clinical testing. Allele origin: germline.
Comment: This sequence change affects an acceptor splice site in intron 28 of the WRN gene. RNA analysis indicates that disruption of this splice site induces altered splicing and may result in an absent or disrupted protein product. The frequency data for this variant in the population databases is considered unreliable, as metrics indicate poor data quality at this position in the gnomAD database. This variant has not been reported in the literature in individuals affected with WRN-related conditions. ClinVar contains an entry for this variant (Variation ID: 1484397). Studies have shown that disruption of this splice site results in skipping of exon 29 and introduces a premature termination codon (Invitae). The resulting mRNA is expected to undergo nonsense-mediated decay. For these reasons, this variant has been classified as Pathogenic.

NM_000553.6(WRN):c.3384-1G>T

Gene: WRN (WRN RecQ like helicase; plus strand). Cytogenetic location: 8p12.
Variant type: single nucleotide variant.
Coding change: c.3384-1G>T on transcript NM_000553.6 (MANE Select); the canonical splice acceptor site of the intron before coding-DNA position 3384, G replaced by T.
Molecular consequence: splice acceptor variant.
Genome position (GRCh38, 1-based): chr8:31,147,052, G>T. VCF-style: chr8-31147052-G-T. GRCh37 (hg19) VCF-style: chr8-31004568-G-T.
Identifiers: ClinVar variation 1484397 (VCV001484397.6), dbSNP rs776963381, ClinGen allele CA370925123.
Genomic context (GRCh38, chr8:31,147,052, plus strand): 5'-ATAGAAAGTCAATGAGGAGAAAGAAAAGCTTTTATTATTTATTTTCTTTTAAATATTTTA[G>T]TATCATGGTACAGTCACCAGAAAAAGCTTACAGTTCCTCACAGCCTGTTATTTCGGCACA-3'